The following is an entry in ClinVar:

NM_005271.5(GLUD1):c.445+350A>T

Gene: GLUD1 (glutamate dehydrogenase 1; minus strand). Cytogenetic location: 10q23.2.
Variant type: single nucleotide variant.
Coding change: c.445+350A>T on transcript NM_005271.5 (MANE Select); 350 bases into the intron after coding-DNA position 445, A replaced by T.
Molecular consequence: intron variant. On other transcripts: missense variant (1), 5 prime UTR variant (2).
Genome position (GRCh38, 1-based): chr10:87,093,975, T>A on the plus strand (A>T on the coding strand, the complement: GLUD1 is on the minus strand). VCF-style: chr10-87093975-T-A. GRCh37 (hg19) VCF-style: chr10-88853732-T-A.
Other names: c.4A>T, p.Thr2Ser (NM_001318900.1); c.-452A>T (NM_001318901.1); c.-379A>T (NM_001318902.1); c.-117+350A>T (NM_001318906.2); c.-284+350A>T (NM_001318904.2); c.-410+350A>T (NM_001318905.2); short protein forms T2S.
Identifiers: ClinVar variation 3048297 (VCV003048297.4), dbSNP rs141821296, ClinGen allele CA5587705.

ClinVar aggregate classification (germline): Benign/Likely benign. Review status: criteria provided, multiple submitters, no conflicts (2 of 4 stars). 2 submissions from 2 submitters: Benign (1); Likely benign (1). Last evaluated 2024-11-22.

Conditions:
GLUD1-related disorder. Also called: GLUD1-related condition.

Allele frequency attached by ClinVar (database versions not stated): ExAC 0.00009; gnomAD exomes 0.00017; gnomAD 0.00190; TOPMed 0.00210; 1000 Genomes Project 0.00240; 1000 Genomes Project 30x 0.00281.
gnomAD v4.1: 511 of 1,413,662 alleles (0.036%); highest among the groups gnomAD compares: African/African-American, 0.68%; no homozygotes.

Submissions (2):

PreventionGenetics, part of Exact Sciences
Classification: Benign for GLUD1-related condition. Last evaluated: 2024-11-22. Review status: criteria provided, single submitter. Criteria: ACMG Guidelines, 2015. Collection method: clinical testing. Allele origin: germline.
Comment: This variant is classified as benign based on ACMG/AMP sequence variant interpretation guidelines (Richards et al. 2015 PMID: 25741868, with internal and published modifications).

Blueprint Genetics
Classification: Likely benign. Last evaluated: 2024-10-22. Review status: criteria provided, single submitter. Criteria: ACMG Guidelines, 2015. Collection method: clinical testing. Allele origin: germline.